The following is an entry in ClinVar:

NM_005876.5(SPEG):c.7708G>C (p.Glu2570Gln)

Genes: ASIC4-AS1 (ASIC4 antisense RNA 1; minus strand), SPEG (striated muscle enriched protein kinase; plus strand). Cytogenetic location: 2q35.
Variant type: single nucleotide variant.
Coding change: c.7708G>C on transcript NM_005876.5 (MANE Select); coding-DNA position 7708, G replaced by C.
Protein change: p.Glu2570Gln; replaces glutamic acid 2570 with glutamine.
Molecular consequence: missense variant.
Genome position (GRCh38, 1-based): chr2:219,485,444, G>C. VCF-style: chr2-219485444-G-C. GRCh37 (hg19) VCF-style: chr2-220350166-G-C.
Other names: short protein forms E2570Q.
Identifiers: ClinVar variation 4699332 (VCV004699332.1).

ClinVar aggregate classification (germline): Uncertain significance (1 of 4 stars; one submission).

gnomAD v4.1: 3 of 1,601,844 alleles (0.00019%); highest among the groups gnomAD compares: African/African-American, 0.0013%; no homozygotes.

Submission:

Labcorp Genetics (formerly Invitae), Labcorp
Classification: Uncertain significance. Last evaluated: 2025-10-23. Review status: criteria provided, single submitter. Criteria: Invitae Variant Classification Sherloc (09022015). Collection method: clinical testing. Allele origin: germline.
Comment: This sequence change replaces glutamic acid, which is acidic and polar, with glutamine, which is neutral and polar, at codon 2570 of the SPEG protein (p.Glu2570Gln). This variant is present in population databases (rs754090386, gnomAD 0.002%). This variant has not been reported in the literature in individuals affected with SPEG-related conditions. An algorithm developed to predict the effect of missense changes on protein structure and function (PolyPhen-2) suggests that this variant is likely to be tolerated. In summary, the available evidence is currently insufficient to determine the role of this variant in disease. Therefore, it has been classified as a Variant of Uncertain Significance.